The following is an entry in ClinVar:

ClinVar aggregate classification (germline): Uncertain significance. Review status: criteria provided, multiple submitters, no conflicts (2 of 4 stars). 2 submissions from 2 submitters: Uncertain significance (2). Last evaluated 2025-09-01.

Conditions:
Inborn genetic diseases. Identifiers: MedGen C0950123, MeSH D030342.

Allele frequency attached by ClinVar (database versions not stated): gnomAD 0.00001; gnomAD exomes 0.00001.
gnomAD v4.1: 10 of 1,608,348 alleles (0.00062%); highest among the groups gnomAD compares: South Asian, 0.0099%; no homozygotes.

Submissions (2):

Ambry Genetics
Classification: Uncertain significance for Inborn genetic diseases. Last evaluated: 2025-09-01. Review status: criteria provided, single submitter. Criteria: Ambry Variant Classification Scheme 2023. Collection method: clinical testing. Allele origin: germline.

Labcorp Genetics (formerly Invitae), Labcorp
Classification: Uncertain significance. Last evaluated: 2024-06-04. Review status: criteria provided, single submitter. Criteria: Invitae Variant Classification Sherloc (09022015). Collection method: clinical testing. Allele origin: germline.
Comment: This sequence change replaces isoleucine, which is neutral and non-polar, with valine, which is neutral and non-polar, at codon 26 of the TNNI3K protein (p.Ile26Val). This variant is not present in population databases (gnomAD no frequency). This variant has not been reported in the literature in individuals affected with TNNI3K-related conditions. ClinVar contains an entry for this variant (Variation ID: 1357020). Advanced modeling of protein sequence and biophysical properties (such as structural, functional, and spatial information, amino acid conservation, physicochemical variation, residue mobility, and thermodynamic stability) performed at Invitae indicates that this missense variant is not expected to disrupt TNNI3K protein function with a negative predictive value of 80%. In summary, the available evidence is currently insufficient to determine the role of this variant in disease. Therefore, it has been classified as a Variant of Uncertain Significance.

NM_015978.3(TNNI3K):c.76A>G (p.Ile26Val)

Genes: FPGT-TNNI3K (FPGT-TNNI3K readthrough; plus strand), TNNI3K (TNNI3 interacting kinase; plus strand). Cytogenetic location: 1p31.1.
Variant type: single nucleotide variant.
Coding change: c.76A>G on transcript NM_015978.3 (MANE Select); coding-DNA position 76, A replaced by G.
Protein change: p.Ile26Val; replaces isoleucine 26 with valine.
Molecular consequence: missense variant.
Genome position (GRCh38, 1-based): chr1:74,236,137, A>G. VCF-style: chr1-74236137-A-G. GRCh37 (hg19) VCF-style: chr1-74701821-A-G.
Other names: c.76A>G (NM_015978.2); c.379A>G, p.Ile127Val (NM_001112808.3, NM_001199327.2); short protein forms I26V, I127V.
Identifiers: ClinVar variation 1357020 (VCV001357020.7), dbSNP rs1653844095, ClinGen allele CA340787014.